The following is an entry in ClinVar:

ClinVar aggregate classification (germline): Uncertain significance (1 of 4 stars; one submission).

Submission:

GeneDx
Classification: Uncertain significance. Last evaluated: 2024-01-09. Review status: criteria provided, single submitter. Criteria: GeneDx Variant Classification Process June 2021. Collection method: clinical testing. Allele origin: germline. Affected: yes.
Comment: Not observed at significant frequency in large population cohorts (gnomAD); In silico analysis supports a deleterious effect on protein structure/function; Has not been previously published as pathogenic or benign to our knowledge

NM_001142966.3(GREB1L):c.3553_3555delinsCAG (p.Glu1185Gln)

Gene: GREB1L (GREB1 like retinoic acid receptor coactivator; plus strand). Cytogenetic location: 18q11.1.
Variant type: Indel.
Coding change: c.3553_3555delinsCAG on transcript NM_001142966.3 (MANE Select); coding-DNA positions 3553 to 3555, GAA replaced by CAG.
Protein change: p.Glu1185Gln; replaces glutamic acid 1185 with glutamine.
Molecular consequence: missense variant.
Genome position (GRCh38, 1-based): chr18:21,499,890-21,499,892, GAA replaced by CAG. VCF-style: chr18-21499890-GAA-CAG. GRCh37 (hg19) VCF-style: chr18-19079851-GAA-CAG.
Other names: c.3682_3684delinsCAG, p.Glu1228Gln (NM_001410867.1); c.3226_3228delinsCAG, p.Glu1076Gln (NM_001410868.1); short protein forms E1076Q, E1185Q, E1228Q.
Identifiers: ClinVar variation 3367757 (VCV003367757.1).
Genomic context (GRCh38, chr18:21,499,890, plus strand): 5'-CTGGATGAAGGGGTCTCCGCCAGCTCAGCTGGAGCCGGAGCCGGGGAGACTCTGAAGCAG[GAA>CAG]TGTGACTCCCTGGGCCCCCAGATGGCGAGCAGCACCACCTCCAAGCCGTCATCATCATCC-3'
Protein context (NP_001136438.1, residues 1175-1195): GAGAGETLKQ[Glu1185Gln]CDSLGPQMAS